The following is an entry in ClinVar:

NM_002103.5(GYS1):c.620C>T (p.Thr207Met)

Gene: GYS1 (glycogen synthase 1; minus strand). Cytogenetic location: 19q13.33.
Variant type: single nucleotide variant.
Coding change: c.620C>T on transcript NM_002103.5 (MANE Select); coding-DNA position 620, C replaced by T.
Protein change: p.Thr207Met; replaces threonine 207 with methionine.
Molecular consequence: missense variant. On other transcripts: non-coding transcript variant (1).
Genome position (GRCh38, 1-based): chr19:48,985,908, G>A on the plus strand (C>T on the coding strand, the complement: GYS1 is on the minus strand). VCF-style: chr19-48985908-G-A. GRCh37 (hg19) VCF-style: chr19-49489165-G-A.
Other names: c.428C>T, p.Thr143Met (NM_001161587.2); short protein forms T207M, T143M.
Identifiers: ClinVar variation 1432514 (VCV001432514.5), dbSNP rs760191000, ClinGen allele CA9563292.

ClinVar aggregate classification (germline): Uncertain significance (1 of 4 stars; one submission).

Conditions:
Glycogen storage disease due to muscle and heart glycogen synthase deficiency. Also called: MUSCLE GLYCOGEN SYNTHASE DEFICIENCY; GSD 0b. Identifiers: Orphanet 137625, MedGen C1969054, MONDO:0012693, OMIM 611556.

Allele frequency attached by ClinVar (database versions not stated): TOPMed below 0.00001; ExAC 0.00001; gnomAD 0.00001; gnomAD exomes 0.00001.
gnomAD v4.1: 15 of 1,614,018 alleles (0.00093%); highest among the groups gnomAD compares: Admixed American, 0.0067%; no homozygotes.

Submission:

Labcorp Genetics (formerly Invitae), Labcorp
Classification: Uncertain significance for Glycogen storage disease due to muscle and heart glycogen synthase deficiency. Last evaluated: 2022-04-21. Review status: criteria provided, single submitter. Criteria: Invitae Variant Classification Sherloc (09022015). Collection method: clinical testing. Allele origin: germline.
Comment: This sequence change replaces threonine, which is neutral and polar, with methionine, which is neutral and non-polar, at codon 207 of the GYS1 protein (p.Thr207Met). This variant is present in population databases (rs760191000, gnomAD 0.006%). This variant has not been reported in the literature in individuals affected with GYS1-related conditions. Algorithms developed to predict the effect of missense changes on protein structure and function are either unavailable or do not agree on the potential impact of this missense change (SIFT: "Deleterious"; PolyPhen-2: "Probably Damaging"; Align-GVGD: "Class C0"). In summary, the available evidence is currently insufficient to determine the role of this variant in disease. Therefore, it has been classified as a Variant of Uncertain Significance.